The following is an entry in ClinVar:

ClinVar aggregate classification (germline): Uncertain significance (1 of 4 stars; one submission).

Conditions:
Familial cancer of breast. Also called: hereditary breast carcinoma; BREAST CANCER, FAMILIAL; Hereditary breast cancer. Identifiers: Orphanet 227535, MedGen C0346153, MONDO:0016419, OMIM 114480. Disease mechanism: loss of function.

Submission:

Labcorp Genetics (formerly Invitae), Labcorp
Classification: Uncertain significance for Familial cancer of breast. Last evaluated: 2026-01-19. Review status: criteria provided, single submitter. Criteria: Invitae Variant Classification Sherloc (09022015). Collection method: clinical testing. Allele origin: germline.
Comment: This sequence change falls in intron 3 of the CHEK2 gene. It does not directly change the encoded amino acid sequence of the CHEK2 protein. This variant is not present in population databases (gnomAD no frequency). This variant has not been reported in the literature in individuals affected with CHEK2-related conditions. Algorithms developed to predict the effect of sequence changes on RNA splicing suggest that this variant may disrupt the consensus splice site. In summary, the available evidence is currently insufficient to determine the role of this variant in disease. Therefore, it has been classified as a Variant of Uncertain Significance.

NM_007194.4(CHEK2):c.445-15del

Gene: CHEK2 (checkpoint kinase 2; minus strand). Cytogenetic location: 22q12.1.
Variant type: Deletion.
Coding change: c.445-15del on transcript NM_007194.4 (MANE Select); 15 bases into the intron before coding-DNA position 445, one base deleted (T; older notation c.445-15delT).
Molecular consequence: intron variant.
Genome position (GRCh38, 1-based): chr22:28,725,139, A deleted on the plus strand (T on the coding strand, the reverse complement: CHEK2 is on the minus strand). VCF-style (leftmost placement, unchanged base first): chr22-28725138-CA-C. GRCh37 (hg19) VCF-style: chr22-29121126-CA-C.
Other names: c.-219-15del (NM_001437942.1); c.444+104del (NM_001349956.3); c.445-15del (NM_145862.3); c.-333-15del (NM_001257387.3); c.538-15del (NM_001438295.1, NM_001438293.1); c.574-15del (NM_001438294.1, NM_001005735.3).
Identifiers: ClinVar variation 4735718 (VCV004735718.1).